The following is an entry in ClinVar:

NM_001127222.2(CACNA1A):c.6604C>T (p.Pro2202Ser)

Gene: CACNA1A (calcium voltage-gated channel subunit alpha1 A; minus strand). Cytogenetic location: 19p13.13.
Variant type: single nucleotide variant.
Coding change: c.6604C>T on transcript NM_001127222.2 (MANE Select); coding-DNA position 6604, C replaced by T.
Protein change: p.Pro2202Ser; replaces proline 2202 with serine.
Molecular consequence: missense variant.
Genome position (GRCh38, 1-based): chr19:13,208,932, G>A on the plus strand (C>T on the coding strand, the complement: CACNA1A is on the minus strand). VCF-style: chr19-13208932-G-A. GRCh37 (hg19) VCF-style: chr19-13319746-G-A.
Other names: c.6607C>T, p.Pro2203Ser (NM_001127221.2); c.6613C>T, p.Pro2205Ser (NM_001174080.2); c.6622C>T, p.Pro2208Ser (NM_023035.3, NM_000068.4); short protein forms P2202S, P2203S, P2205S, P2208S.
Identifiers: ClinVar variation 2649381 (VCV002649381.24), dbSNP rs1320469228, ClinGen allele CA404330537.

ClinVar aggregate classification (germline): Uncertain significance (1 of 4 stars; one submission).

Submission:

CeGaT Center for Human Genetics Tuebingen
Classification: Uncertain significance. Last evaluated: 2023-10-01. Review status: criteria provided, single submitter. Criteria: CeGaT Center For Human Genetics Tuebingen Variant Classification Criteria Version 2. Collection method: clinical testing. Allele origin: germline. Affected: yes. Observed: 1 variant allele.
Comment: CACNA1A: PM2